The following is an entry in ClinVar:

ClinVar aggregate classification (germline): Uncertain significance (1 of 4 stars; one submission).

Submission:

Ambry Genetics
Classification: Uncertain significance. Last evaluated: 2023-10-16. Review status: criteria provided, single submitter. Criteria: Ambry Variant Classification Scheme 2023. Collection method: clinical testing. Allele origin: germline.
Comment: The p.N399K variant (also known as c.1197C>A), located in coding exon 6 of the GALNT12 gene, results from a C to A substitution at nucleotide position 1197. The asparagine at codon 399 is replaced by lysine, an amino acid with similar properties. This amino acid position is conserved. In addition, this alteration is predicted to be tolerated by in silico analysis. Since supporting evidence is limited at this time, the clinical significance of this alteration remains unclear.

NM_024642.5(GALNT12):c.1197C>A (p.Asn399Lys)

Gene: GALNT12 (polypeptide N-acetylgalactosaminyltransferase 12; plus strand). Cytogenetic location: 9q22.33.
Variant type: single nucleotide variant.
Coding change: c.1197C>A on transcript NM_024642.5 (MANE Select); coding-DNA position 1197, C replaced by A.
Protein change: p.Asn399Lys; replaces asparagine 399 with lysine.
Molecular consequence: missense variant.
Genome position (GRCh38, 1-based): chr9:98,837,133, C>A. VCF-style: chr9-98837133-C-A. GRCh37 (hg19) VCF-style: chr9-101599415-C-A.
Other names: short protein forms N399K.
Identifiers: ClinVar variation 3227905 (VCV003227905.1), dbSNP rs202043243, ClinGen allele CA374220050.